The following is an entry in ClinVar:

ClinVar aggregate classification (germline): Uncertain significance. Review status: criteria provided, multiple submitters, no conflicts (2 of 4 stars). 2 submissions from 2 submitters: Uncertain significance (2). Last evaluated 2025-02-23.

Conditions:
Familial cancer of breast. Also called: hereditary breast carcinoma; Hereditary breast cancer; BREAST CANCER, FAMILIAL. Identifiers: Orphanet 227535, MedGen C0346153, MONDO:0016419, OMIM 114480. Disease mechanism: loss of function.
Hereditary cancer-predisposing syndrome. Also called: Tumor predisposition; Hereditary neoplastic syndrome; Neoplastic Syndromes, Hereditary; Hereditary Cancer Syndrome. Identifiers: Orphanet 140162, MedGen C0027672, MeSH D009386, MONDO:0015356.

Submissions (2):

Labcorp Genetics (formerly Invitae), Labcorp
Classification: Uncertain significance for Familial cancer of breast. Last evaluated: 2025-02-23. Review status: criteria provided, single submitter. Criteria: Invitae Variant Classification Sherloc (09022015). Collection method: clinical testing. Allele origin: germline.
Comment: This sequence change replaces histidine, which is basic and polar, with proline, which is neutral and non-polar, at codon 130 of the PALB2 protein (p.His130Pro). This variant is not present in population databases (gnomAD no frequency). This variant has not been reported in the literature in individuals affected with PALB2-related conditions. ClinVar contains an entry for this variant (Variation ID: 846272). An algorithm developed to predict the effect of missense changes on protein structure and function (PolyPhen-2) suggests that this variant is likely to be tolerated. In summary, the available evidence is currently insufficient to determine the role of this variant in disease. Therefore, it has been classified as a Variant of Uncertain Significance.

Ambry Genetics
Classification: Uncertain significance for Hereditary cancer-predisposing syndrome. Last evaluated: 2024-09-20. Review status: criteria provided, single submitter. Criteria: Ambry Variant Classification Scheme 2023. Collection method: clinical testing. Allele origin: germline.
Comment: The p.H130P variant (also known as c.389A>C), located in coding exon 4 of the PALB2 gene, results from an A to C substitution at nucleotide position 389. The histidine at codon 130 is replaced by proline, an amino acid with similar properties. This amino acid position is conserved. In addition, this alteration is predicted to be tolerated by in silico analysis. Based on the available evidence, the clinical significance of this variant remains unclear.

NM_024675.4(PALB2):c.389A>C (p.His130Pro)

Gene: PALB2 (partner and localizer of BRCA2; minus strand). Cytogenetic location: 16p12.2.
Variant type: single nucleotide variant.
Coding change: c.389A>C on transcript NM_024675.4 (MANE Select); coding-DNA position 389, A replaced by C.
Protein change: p.His130Pro; replaces histidine 130 with proline.
Molecular consequence: missense variant.
Genome position (GRCh38, 1-based): chr16:23,636,157, T>G on the plus strand (A>C on the coding strand, the complement: PALB2 is on the minus strand). VCF-style: chr16-23636157-T-G. GRCh37 (hg19) VCF-style: chr16-23647478-T-G.
Other names: short protein forms H130P.
Identifiers: ClinVar variation 846272 (VCV000846272.10), dbSNP rs1967050224, ClinGen allele CA395137449.